The following is an entry in ClinVar:

NM_000264.5(PTCH1):c.3790T>C (p.Phe1264Leu)

Gene: PTCH1 (patched 1; minus strand). Cytogenetic location: 9q22.32.
Variant type: single nucleotide variant.
Coding change: c.3790T>C on transcript NM_000264.5 (MANE Select); coding-DNA position 3790, T replaced by C.
Protein change: p.Phe1264Leu; replaces phenylalanine 1264 with leucine.
Molecular consequence: missense variant. On other transcripts: non-coding transcript variant (1).
Genome position (GRCh38, 1-based): chr9:95,449,083, A>G on the plus strand (T>C on the coding strand, the complement: PTCH1 is on the minus strand). VCF-style: chr9-95449083-A-G. GRCh37 (hg19) VCF-style: chr9-98211365-A-G.
Other names: c.3592T>C, p.Phe1198Leu (NM_001083602.3); c.3787T>C, p.Phe1263Leu (NM_001083603.3); c.3337T>C, p.Phe1113Leu (NM_001083604.3, NM_001083605.3, NM_001083606.3 and 1 more transcripts); c.3634T>C, p.Phe1212Leu (NM_001354918.2); short protein forms F1212L, F1263L, F1264L, F1198L, F1113L.
Identifiers: ClinVar variation 4675524 (VCV004675524.1).

ClinVar aggregate classification (germline): Uncertain significance (1 of 4 stars; one submission).

Conditions:
Hereditary cancer-predisposing syndrome. Also called: Neoplastic Syndromes, Hereditary; Tumor predisposition; Hereditary Cancer Syndrome; Hereditary neoplastic syndrome. Identifiers: Orphanet 140162, MedGen C0027672, MeSH D009386, MONDO:0015356.

Submission:

Ambry Genetics
Classification: Uncertain significance for Hereditary cancer-predisposing syndrome. Last evaluated: 2025-10-03. Review status: criteria provided, single submitter. Criteria: Ambry Variant Classification Scheme 2023. Collection method: clinical testing. Allele origin: germline.
Comment: The p.F1264L variant (also known as c.3790T>C), located in coding exon 22 of the PTCH1 gene, results from a T to C substitution at nucleotide position 3790. The phenylalanine at codon 1264 is replaced by leucine, an amino acid with highly similar properties. This amino acid position is conserved. In addition, this alteration is predicted to be deleterious by in silico analysis. Based on the available evidence, the clinical significance of this variant remains unclear.